The following is an entry in ClinVar:

ClinVar aggregate classification (germline): Uncertain significance (1 of 4 stars; one submission).

Conditions:
Cohen syndrome (COH1). Also called: PEPPER SYNDROME; Cutis verticis gyrata, retinitis pigmentosa, and sensorineural deafness. Identifiers: Orphanet 193, MedGen C0265223, MONDO:0008999, OMIM 216550.

Submission:

Labcorp Genetics (formerly Invitae), Labcorp
Classification: Uncertain significance for Cohen syndrome. Last evaluated: 2022-03-19. Review status: criteria provided, single submitter. Criteria: Invitae Variant Classification Sherloc (09022015). Collection method: clinical testing. Allele origin: germline.
Comment: This sequence change replaces alanine, which is neutral and non-polar, with threonine, which is neutral and polar, at codon 1126 of the VPS13B protein (p.Ala1126Thr). In summary, the available evidence is currently insufficient to determine the role of this variant in disease. Therefore, it has been classified as a Variant of Uncertain Significance. Algorithms developed to predict the effect of missense changes on protein structure and function are either unavailable or do not agree on the potential impact of this missense change (SIFT: "Not Available"; PolyPhen-2: "Probably Damaging"; Align-GVGD: "Not Available"). ClinVar contains an entry for this variant (Variation ID: 1003151). This variant has not been reported in the literature in individuals affected with VPS13B-related conditions. This variant is not present in population databases (gnomAD no frequency).

NM_152564.5(VPS13B):c.3376G>A (p.Ala1126Thr)

Gene: VPS13B (vacuolar protein sorting 13 homolog B; plus strand). Cytogenetic location: 8q22.2.
Variant type: single nucleotide variant.
Coding change: c.3376G>A on transcript NM_152564.5 (MANE Select); coding-DNA position 3376, G replaced by A.
Protein change: p.Ala1126Thr; replaces alanine 1126 with threonine.
Molecular consequence: missense variant.
Genome position (GRCh38, 1-based): chr8:99,442,566, G>A. VCF-style: chr8-99442566-G-A. GRCh37 (hg19) VCF-style: chr8-100454794-G-A.
Other names: c.3376G>A, p.Ala1126Thr (NM_017890.5); short protein forms A1126T.
Identifiers: ClinVar variation 1003151 (VCV001003151.10), dbSNP rs1817727523, ClinGen allele CA371871005.